The following is an entry in ClinVar:

NM_001393769.1(MED12L):c.5698A>T (p.Met1900Leu)

Gene: MED12L (mediator complex subunit 12L; plus strand). Cytogenetic location: 3q25.1.
Variant type: single nucleotide variant.
Coding change: c.5698A>T on transcript NM_001393769.1 (MANE Select); coding-DNA position 5698, A replaced by T.
Protein change: p.Met1900Leu; replaces methionine 1900 with leucine.
Molecular consequence: missense variant.
Genome position (GRCh38, 1-based): chr3:151,394,745, A>T. VCF-style: chr3-151394745-A-T. GRCh37 (hg19) VCF-style: chr3-151112533-A-T.
Other names: c.5593A>T, p.Met1865Leu (NM_053002.6); short protein forms M1865L, M1900L.
Identifiers: ClinVar variation 1707032 (VCV001707032.2), dbSNP rs1305750004, ClinGen allele CA354978501.
Genomic context (GRCh38, chr3:151,394,745, plus strand): 5'-TTTGTCCCAACCAACACCAAACAAGCTCTGTCAAACATGCTACAGCGGCGCTCAGGCGCC[A>T]TGATGCAGCCGCCTTCTCTTCATGCAATCACATCGCAGCAGCAGTTGATACAGATGAAGC-3'
Protein context (NP_001380698.1, residues 1890-1910): SNMLQRRSGA[Met1900Leu]MQPPSLHAIT

ClinVar aggregate classification (germline): Uncertain significance (1 of 4 stars; one submission).

Submission:

GeneDx
Classification: Uncertain significance. Last evaluated: 2022-03-21. Review status: criteria provided, single submitter. Criteria: GeneDx Variant Classification Process June 2021. Collection method: clinical testing. Allele origin: germline. Affected: yes.
Comment: Not observed at significant frequency in large population cohorts (gnomAD); In silico analysis supports that this missense variant does not alter protein structure/function; Has not been previously published as pathogenic or benign to our knowledge